The following is an entry in ClinVar:

ClinVar aggregate classification (germline): Benign (1 of 4 stars; one submission).

Allele frequency attached by ClinVar (database versions not stated): 1000 Genomes Project 30x 0.00656; 1000 Genomes Project 0.00679; ESP Exome Variant Server 0.00793; TOPMed 0.00830; gnomAD 0.00845; gnomAD exomes 0.00927; ExAC 0.01513.
gnomAD v4.1: 14,436 of 1,567,210 alleles (0.92%); highest among the groups gnomAD compares: Middle Eastern, 2.8%; 109 homozygotes.

Submission:

CeGaT Center for Human Genetics Tuebingen
Classification: Benign. Last evaluated: 2023-05-01. Review status: criteria provided, single submitter. Criteria: CeGaT Center For Human Genetics Tuebingen Variant Classification Criteria Version 2. Collection method: clinical testing. Allele origin: germline. Affected: yes. Observed: 1 variant allele.
Comment: CIP2A: BP4, BS1, BS2

NM_020890.3(CIP2A):c.2275A>G (p.Ile759Val)

Gene: CIP2A (cellular inhibitor of PP2A; minus strand). Cytogenetic location: 3q13.13.
Variant type: single nucleotide variant.
Coding change: c.2275A>G on transcript NM_020890.3 (MANE Select); coding-DNA position 2275, A replaced by G.
Protein change: p.Ile759Val; replaces isoleucine 759 with valine.
Molecular consequence: missense variant.
Genome position (GRCh38, 1-based): chr3:108,554,425, T>C on the plus strand (A>G on the coding strand, the complement: CIP2A is on the minus strand). VCF-style: chr3-108554425-T-C. GRCh37 (hg19) VCF-style: chr3-108273272-T-C.
Other names: short protein forms I759V.
Identifiers: ClinVar variation 2654025 (VCV002654025.24), dbSNP rs13071874, ClinGen allele CA2529248.